The following is an entry in ClinVar:

ClinVar aggregate classification (germline): Conflicting classifications of pathogenicity. Review status: criteria provided, conflicting classifications (1 of 4 stars). 2 submissions from 2 submitters: Uncertain significance (1); Likely benign (1). Last evaluated 2025-04-21.

Allele frequency attached by ClinVar (database versions not stated): TOPMed 0.00002; gnomAD 0.00003; 1000 Genomes Project 30x 0.00031.

Submissions (2):

Labcorp Genetics (formerly Invitae), Labcorp
Classification: Uncertain significance. Last evaluated: 2025-04-21. Review status: criteria provided, single submitter. Criteria: Invitae Variant Classification Sherloc (09022015). Collection method: clinical testing. Allele origin: germline.
Comment: This sequence change replaces methionine, which is neutral and non-polar, with valine, which is neutral and non-polar, at codon 120 of the RFWD3 protein (p.Met120Val). This variant is present in population databases (rs755700844, gnomAD 0.03%). This variant has not been reported in the literature in individuals affected with RFWD3-related conditions. ClinVar contains an entry for this variant (Variation ID: 2052805). An algorithm developed to predict the effect of missense changes on protein structure and function outputs the following: PolyPhen-2: "Benign". The valine amino acid residue is found in multiple mammalian species, which suggests that this missense change does not adversely affect protein function. In summary, the available evidence is currently insufficient to determine the role of this variant in disease. Therefore, it has been classified as a Variant of Uncertain Significance.

Ambry Genetics
Classification: Likely benign. Last evaluated: 2025-03-27. Review status: criteria provided, single submitter. Criteria: Ambry Variant Classification Scheme 2023. Collection method: clinical testing. Allele origin: germline.

NM_018124.4(RFWD3):c.358A>G (p.Met120Val)

Gene: RFWD3 (ring finger and WD repeat domain 3; minus strand). Cytogenetic location: 16q23.1.
Variant type: single nucleotide variant.
Coding change: c.358A>G on transcript NM_018124.4 (MANE Select); coding-DNA position 358, A replaced by G.
Protein change: p.Met120Val; replaces methionine 120 with valine.
Molecular consequence: missense variant. On other transcripts: 5 prime UTR variant (4), intron variant (1).
Genome position (GRCh38, 1-based): chr16:74,661,092, T>C on the plus strand (A>G on the coding strand, the complement: RFWD3 is on the minus strand). VCF-style: chr16-74661092-T-C. GRCh37 (hg19) VCF-style: chr16-74694990-T-C.
Other names: c.358A>G, p.Met120Val (NM_001370534.1, NM_001370535.1, NM_001370536.1); c.-651A>G (NM_001370537.1); c.-274A>G (NM_001370539.1, NM_001370541.1); c.-528A>G (NM_001370542.1); c.-406A>G (NM_001370543.1); c.-317+3532A>G (NM_001370540.1); c.358A>G (NM_018124.3); short protein forms M120V.
Identifiers: ClinVar variation 2052805 (VCV002052805.5), dbSNP rs755700844, ClinGen allele CA8169591.
Genomic context (GRCh38, chr16:74,661,092, plus strand): 5'-AAGGTCTCAGGAATTCCAGCATGCCATGAAGTCTCTGCAGTCCGCTGATGAAGTTGGTCA[T>C]TGAATGCAACGAAGATGCTGGGATGGTGTGATTACCATCAGATCCCTGCCTATGTTGTTC-3'
Protein context (NP_060594.3, residues 110-130): HTIPASSLHS[Met120Val]TNFISGLQRL